The following is an entry in ClinVar:

NM_139057.4(ADAMTS17):c.2175C>G (p.Asp725Glu)

Gene: ADAMTS17 (ADAM metallopeptidase with thrombospondin type 1 motif 17; minus strand). Cytogenetic location: 15q26.3.
Variant type: single nucleotide variant.
Coding change: c.2175C>G on transcript NM_139057.4 (MANE Select); coding-DNA position 2175, C replaced by G.
Protein change: p.Asp725Glu; replaces aspartic acid 725 with glutamic acid.
Molecular consequence: missense variant.
Genome position (GRCh38, 1-based): chr15:100,054,017, G>C on the plus strand (C>G on the coding strand, the complement: ADAMTS17 is on the minus strand). VCF-style: chr15-100054017-G-C. GRCh37 (hg19) VCF-style: chr15-100594222-G-C.
Other names: short protein forms D725E.
Identifiers: ClinVar variation 1974128 (VCV001974128.5), dbSNP rs776806216, ClinGen allele CA7757830.

ClinVar aggregate classification (germline): Uncertain significance (1 of 4 stars; one submission).

Allele frequency attached by ClinVar (database versions not stated): TOPMed 0.00001.
gnomAD v4.1: 4 of 1,614,192 alleles (0.00025%); highest among the groups gnomAD compares: East Asian, 0.0067%; no homozygotes.

Submission:

Labcorp Genetics (formerly Invitae), Labcorp
Classification: Uncertain significance. Last evaluated: 2022-05-30. Review status: criteria provided, single submitter. Criteria: Invitae Variant Classification Sherloc (09022015). Collection method: clinical testing. Allele origin: germline.
Comment: This sequence change replaces aspartic acid, which is acidic and polar, with glutamic acid, which is acidic and polar, at codon 725 of the ADAMTS17 protein (p.Asp725Glu). This variant is present in population databases (rs776806216, gnomAD 0.02%). This variant has not been reported in the literature in individuals affected with ADAMTS17-related conditions. Algorithms developed to predict the effect of missense changes on protein structure and function are either unavailable or do not agree on the potential impact of this missense change (SIFT: "Not Available"; PolyPhen-2: "Probably Damaging"; Align-GVGD: "Not Available"). Algorithms developed to predict the effect of sequence changes on RNA splicing suggest that this variant may disrupt the consensus splice site. In summary, the available evidence is currently insufficient to determine the role of this variant in disease. Therefore, it has been classified as a Variant of Uncertain Significance.